The following is an entry in ClinVar:

NM_001320.7(CSNK2B):c.95A>T (p.Asp32Val)

Gene: CSNK2B (casein kinase 2 beta; plus strand). Cytogenetic location: 6p21.33.
Variant type: single nucleotide variant.
Coding change: c.95A>T on transcript NM_001320.7 (MANE Select); coding-DNA position 95, A replaced by T.
Protein change: p.Asp32Val; replaces aspartic acid 32 with valine.
Molecular consequence: missense variant.
Genome position (GRCh38, 1-based): chr6:31,667,890, A>T. VCF-style: chr6-31667890-A-T. GRCh37 (hg19) VCF-style: chr6-31635667-A-T.
Other names: c.95A>T, p.Asp32Val (NM_001282385.2); short protein forms D32V.
Identifiers: ClinVar variation 4536612 (VCV004536612.1).

ClinVar aggregate classification (germline): not provided (0 of 4 stars; one submission).

Conditions:
Poirier-Bienvenu neurodevelopmental syndrome (POBINDS). Identifiers: Orphanet 689397, MedGen C5231482, MONDO:0032889, OMIM 618732.

Submission:

Department of Endocrinology, Jiangxi Provincial Children's Hospital
No classification provided. Condition: Poirier-Bienvenu neurodevelopmental syndrome. Review status: no classification provided. Collection method: phenotyping only. Allele origin: germline. Inheritance: Autosomal dominant inheritance. Affected: yes. Observed: 1 variant allele.
Comment: The clinical phenotype is consistent with the gene/disease but is not highly specific. PM2_Supporting: The frequency in normal population databases is – (not reported). PM5_Strong: At least two known pathogenic variants resulting in different amino acid changes have been reported at the same codon (c.94G>T, p.Asp32Tyr, PMID:34983633; c.94G>C, p.Asp32His, PMID:35571680; c.95A>C, p.Asp32Ala, PMID:35774559|33057194|35982159; c.94G>A, p.Asp32Asn,PMID:33644862|34041744|35571680. PP3: The comprehensive protein function prediction tool REVEL(0.74) predicted the variant as possibly damaging.

Literature cited by the submitters: PubMed 34983633; PubMed 35571680; PubMed 35774559; PubMed 33057194; PubMed 35982159; PubMed 33644862; PubMed 34041744.